The following is an entry in ClinVar:

NM_005391.5(PDK3):c.1202A>G (p.Lys401Arg)

Gene: PDK3 (pyruvate dehydrogenase kinase 3; plus strand). Cytogenetic location: Xp22.11.
Variant type: single nucleotide variant.
Coding change: c.1202A>G on transcript NM_005391.5 (MANE Select); coding-DNA position 1202, A replaced by G.
Protein change: p.Lys401Arg; replaces lysine 401 with arginine.
Molecular consequence: missense variant.
Genome position (GRCh38, 1-based): chrX:24,534,053, A>G. VCF-style: chrX-24534053-A-G. GRCh37 (hg19) VCF-style: chrX-24552170-A-G.
Other names: c.1202A>G, p.Lys401Arg (NM_001142386.3); short protein forms K401R.
Identifiers: ClinVar variation 1419725 (VCV001419725.8), dbSNP rs371788046, ClinGen allele CA10372407.

ClinVar aggregate classification (germline): Uncertain significance (1 of 4 stars; one submission).

Conditions:
Charcot-Marie-Tooth disease X-linked dominant 6. Also called: CHARCOT-MARIE-TOOTH NEUROPATHY, X-LINKED DOMINANT, 6. Identifiers: Orphanet 352675, MedGen C3806702, MONDO:0010479, OMIM 300905.

Allele frequency attached by ClinVar (database versions not stated): ExAC 0.00001; gnomAD exomes 0.00001; TOPMed 0.00001; ESP Exome Variant Server 0.00009.
gnomAD v4.1: 9 of 1,204,414 alleles (0.00075%); highest among the groups gnomAD compares: Non-Finnish European, 0.001%; no homozygotes.

Submission:

Labcorp Genetics (formerly Invitae), Labcorp
Classification: Uncertain significance for Charcot-Marie-Tooth disease X-linked dominant 6. Last evaluated: 2023-10-28. Review status: criteria provided, single submitter. Criteria: Invitae Variant Classification Sherloc (09022015). Collection method: clinical testing. Allele origin: germline.
Comment: This sequence change replaces lysine, which is basic and polar, with arginine, which is basic and polar, at codon 401 of the PDK3 protein (p.Lys401Arg). This variant is not present in population databases (gnomAD no frequency). This variant has not been reported in the literature in individuals affected with PDK3-related conditions. ClinVar contains an entry for this variant (Variation ID: 1419725). An algorithm developed to predict the effect of missense changes on protein structure and function (PolyPhen-2) suggests that this variant is likely to be tolerated. In summary, the available evidence is currently insufficient to determine the role of this variant in disease. Therefore, it has been classified as a Variant of Uncertain Significance.